The following is an entry in ClinVar:

NM_005826.5(HNRNPR):c.1289C>G (p.Ala430Gly)

Gene: HNRNPR (heterogeneous nuclear ribonucleoprotein R; minus strand). Cytogenetic location: 1p36.12.
Variant type: single nucleotide variant.
Coding change: c.1289C>G on transcript NM_005826.5 (MANE Select); coding-DNA position 1289, C replaced by G.
Protein change: p.Ala430Gly; replaces alanine 430 with glycine.
Molecular consequence: missense variant.
Genome position (GRCh38, 1-based): chr1:23,311,201, G>C on the plus strand (C>G on the coding strand, the complement: HNRNPR is on the minus strand). VCF-style: chr1-23311201-G-C. GRCh37 (hg19) VCF-style: chr1-23637694-G-C.
Other names: c.986C>G, p.Ala329Gly (NM_001102397.3); c.1298C>G, p.Ala433Gly (NM_001102398.3); c.995C>G, p.Ala332Gly (NM_001102399.3); c.1175C>G, p.Ala392Gly (NM_001297620.2); c.809C>G, p.Ala270Gly (NM_001297621.2); c.872C>G, p.Ala291Gly (NM_001297622.2); short protein forms A433G, A270G, A291G, A329G, A392G, A332G, A430G.
Identifiers: ClinVar variation 2282777 (VCV002282777.3), dbSNP rs180897497, ClinGen allele CA680962.
Genomic context (GRCh38, chr1:23,311,201, plus strand): 5'-TGATCTCCATTATCACGTTATTCCTTGTCCAAAGATATATCTACTAAAATGTAGACTCAC[G>C]CAGTGCTTCTGGAGGCCTGTCTAGCAGCTTGGCGCTCTTTCCTTTTCTTGTCTGGTGGCT-3'
Protein context (NP_005817.1, residues 420-440): QAARQASRST[Ala430Gly]YEDYYYHPPP

ClinVar aggregate classification (germline): Uncertain significance. Review status: criteria provided, multiple submitters, no conflicts (2 of 4 stars). 2 submissions from 2 submitters: Uncertain significance (2). Last evaluated 2025-07-24.

Conditions:
Inborn genetic diseases. Identifiers: MedGen C0950123, MeSH D030342.

gnomAD v4.1: 10 of 1,613,694 alleles (0.00062%); highest among the groups gnomAD compares: Non-Finnish European, 0.00085%; no homozygotes.

Submissions (2):

Women's Health and Genetics/Laboratory Corporation of America, LabCorp
Classification: Uncertain significance. Last evaluated: 2025-07-24. Review status: criteria provided, single submitter. Criteria: LabCorp Variant Classification Summary - May 2015. Collection method: clinical testing. Allele origin: germline.
Comment: Variant summary: HNRNPR c.1298C>G (p.Ala433Gly) results in a non-conservative amino acid change in the encoded protein sequence. Algorithms developed to predict the effect of missense changes on protein structure and function are either unavailable or do not agree on the potential impact of this missense change. The variant allele was found at a frequency of 2e-05 in 251362 control chromosomes. The available data on variant occurrences in the general population are insufficient to allow any conclusion about variant significance. To our knowledge, no occurrence of c.1298C>G in individuals affected with Neurodevelopmental Disorder With Dysmorphic Facies And Skeletal And Brain Abnormalities and no experimental evidence demonstrating its impact on protein function have been reported. ClinVar contains an entry for this variant (Variation ID: 2282777). Based on the evidence outlined above, the variant was classified as uncertain significance.

Ambry Genetics
Classification: Uncertain significance for Inborn genetic diseases. Last evaluated: 2022-05-27. Review status: criteria provided, single submitter. Criteria: Ambry Variant Classification Scheme 2023. Collection method: clinical testing. Allele origin: germline.
Comment: Occurs in the last base pair of the exon Based on insufficient or conflicting evidence, the clinical significance of this alteration remains unclear.